The following is an entry in ClinVar:

ClinVar aggregate classification (germline): Conflicting classifications of pathogenicity. Review status: criteria provided, conflicting classifications (1 of 4 stars). 3 submissions from 3 submitters: Uncertain significance (2); Likely benign (1). Last evaluated 2026-08-13.

Conditions:
ADGRV1-related disorder. Also called: ADGRV1-related condition; ADGRV1-related disorders.

Allele frequency attached by ClinVar (database versions not stated): gnomAD exomes below 0.00001 and 0.00001; gnomAD 0.00004 and 0.00005; TOPMed 0.00005.
gnomAD v4.1: 32 of 1,613,744 alleles (0.002%); highest among the groups gnomAD compares: African/African-American, 0.025%; 1 homozygote.

Submissions (3):

PreventionGenetics, part of Exact Sciences
Classification: Uncertain significance for ADGRV1-related condition. Last evaluated: 2026-08-13. Review status: criteria provided, single submitter. Criteria: ACMG Guidelines, 2015. Collection method: clinical testing. Allele origin: germline.
Comment: The ADGRV1 c.6859G>A variant is predicted to result in the amino acid substitution p.Val2287Ile. To our knowledge, this variant has not been reported in the literature. This variant is reported in 0.0083% of alleles in individuals of African descent in gnomAD. At this time, the clinical significance of this variant is uncertain due to the absence of conclusive functional and genetic evidence.

Labcorp Genetics (formerly Invitae), Labcorp
Classification: Likely benign. Last evaluated: 2024-11-11. Review status: criteria provided, single submitter. Criteria: Invitae Variant Classification Sherloc (09022015). Collection method: clinical testing. Allele origin: germline.

Eurofins Ntd Llc (ga)
Classification: Uncertain significance. Last evaluated: 2018-06-28. Review status: criteria provided, single submitter. Criteria: EGL ClinVar v180209 classification definitions. Collection method: clinical testing. Allele origin: germline. Observed: 1 variant allele, 1 heterozygote.

NM_032119.4(ADGRV1):c.6859G>A (p.Val2287Ile)

Gene: ADGRV1 (adhesion G protein-coupled receptor V1; plus strand). Cytogenetic location: 5q14.3.
Variant type: single nucleotide variant.
Coding change: c.6859G>A on transcript NM_032119.4 (MANE Select); coding-DNA position 6859, G replaced by A.
Protein change: p.Val2287Ile; replaces valine 2287 with isoleucine.
Molecular consequence: missense variant. On other transcripts: non-coding transcript variant (1).
Genome position (GRCh38, 1-based): chr5:90,690,949, G>A. VCF-style: chr5-90690949-G-A. GRCh37 (hg19) VCF-style: chr5-89986766-G-A.
Other names: c.6859G>A (NM_032119.3); short protein forms V2287I.
Identifiers: ClinVar variation 597709 (VCV000597709.10), dbSNP rs868801998, ClinGen allele CA122797042.